The following is an entry in ClinVar:

NM_000334.4(SCN4A):c.2854-3C>T

Genes: GH-LCR (growth hormone locus control region; plus strand), SCN4A (sodium voltage-gated channel alpha subunit 4; minus strand). Cytogenetic location: 17q23.3.
Variant type: single nucleotide variant.
Coding change: c.2854-3C>T on transcript NM_000334.4 (MANE Select); 3 bases into the intron before coding-DNA position 2854, C replaced by T.
Molecular consequence: intron variant.
Genome position (GRCh38, 1-based): chr17:63,949,531, G>A on the plus strand (C>T on the coding strand, the complement: SCN4A is on the minus strand). VCF-style: chr17-63949531-G-A. GRCh37 (hg19) VCF-style: chr17-62026891-G-A.
Identifiers: ClinVar variation 2413669 (VCV002413669.12), dbSNP rs1334597538, ClinGen allele CA626861786.

ClinVar aggregate classification (germline): Uncertain significance (1 of 4 stars; one submission).

Conditions:
Hyperkalemic periodic paralysis. Also called: Familial hyperkalemic periodic paralysis; Gamstorp disease. Identifiers: Orphanet 682, MedGen C0238357, MONDO:0008224, OMIM 170500, HP:0007215.

Allele frequency attached by ClinVar (database versions not stated): gnomAD exomes below 0.00001.

Submission:

Labcorp Genetics (formerly Invitae), Labcorp
Classification: Uncertain significance for Hyperkalemic periodic paralysis. Last evaluated: 2025-04-28. Review status: criteria provided, single submitter. Criteria: Invitae Variant Classification Sherloc (09022015). Collection method: clinical testing. Allele origin: germline.
Comment: This sequence change falls in intron 14 of the SCN4A gene. It does not directly change the encoded amino acid sequence of the SCN4A protein. It affects a nucleotide within the consensus splice site. The frequency data for this variant in the population databases is considered unreliable, as metrics indicate poor data quality at this position in the gnomAD database. This variant has not been reported in the literature in individuals affected with SCN4A-related conditions. ClinVar contains an entry for this variant (Variation ID: 2413669). Variants that disrupt the consensus splice site are a relatively common cause of aberrant splicing (PMID: 17576681, 9536098). Algorithms developed to predict the effect of sequence changes on RNA splicing suggest that this variant is not likely to affect RNA splicing. In summary, the available evidence is currently insufficient to determine the role of this variant in disease. Therefore, it has been classified as a Variant of Uncertain Significance.

Literature cited by the submitters: PubMed 17576681; PubMed 9536098.